The following is an entry in ClinVar:

NM_000391.4(TPP1):c.1016G>T (p.Arg339Leu)

Gene: TPP1 (tripeptidyl peptidase 1; minus strand). Cytogenetic location: 11p15.4.
Variant type: single nucleotide variant.
Coding change: c.1016G>T on transcript NM_000391.4 (MANE Select); coding-DNA position 1016, G replaced by T.
Protein change: p.Arg339Leu; replaces arginine 339 with leucine.
Molecular consequence: missense variant.
Genome position (GRCh38, 1-based): chr11:6,616,374, C>A on the plus strand (G>T on the coding strand, the complement: TPP1 is on the minus strand). VCF-style: chr11-6616374-C-A. GRCh37 (hg19) VCF-style: chr11-6637605-C-A.
Other names: short protein forms R339L.
Identifiers: ClinVar variation 1325221 (VCV001325221.6), dbSNP rs765380155, ClinGen allele CA379474153.

ClinVar aggregate classification (germline): Conflicting classifications of pathogenicity. Review status: criteria provided, conflicting classifications (1 of 4 stars). 2 submissions from 2 submitters: Likely pathogenic (1); Uncertain significance (1). Last evaluated 2019-07-22.

Conditions:
Neuronal ceroid lipofuscinosis 2. Also called: TPP1-Related Neuronal Ceroid-Lipofuscinosis; JANSKY-BIELSCHOWSKY DISEASE NEURONAL CEROID LIPOFUSCINOSIS, LATE INFANTILE. Identifiers: Orphanet 168491, Orphanet 228349, Orphanet 79264, MedGen C1876161, MONDO:0008769, OMIM 204500.

Submissions (2):

Revvity Omics, Revvity
Classification: Likely pathogenic. Last evaluated: 2019-07-22. Review status: criteria provided, single submitter. Criteria: ACMG Guidelines, 2015. Collection method: clinical testing. Allele origin: germline.

Neuberg Centre For Genomic Medicine, NCGM
Classification: Uncertain significance for Neuronal ceroid lipofuscinosis 2. Review status: criteria provided, single submitter. Criteria: ACMG Guidelines, 2015. Collection method: clinical testing. Allele origin: germline. Affected: yes.
Comment: The missense variant p.R339L in TPP1 (NM_000391.4) has not been reported previously in affected individuals. Another missense variant Arg339Trp and Arg339Gln has been reported in affected indviduals with the former as a disease causing variant. The p.R339L variant is novel (not in any individuals) in gnomAD Exomes and is novel (not in any individuals) in 1000 Genomes. The p.R339L missense variant is predicted to be damaging by both SIFT and PolyPhen2. The arginine residue at codon 339 of TPP1 is conserved in all mammalian species. The nucleotide c.1016 in TPP1 is predicted conserved by GERP++ and PhyloP across 100 vertebrates. For these reasons, this variant has been classified as Uncertain Significance.